The following is an entry in ClinVar:

ClinVar aggregate classification (germline): Uncertain significance. Review status: criteria provided, multiple submitters, no conflicts (2 of 4 stars). 2 submissions from 2 submitters: Uncertain significance (2). Last evaluated 2024-09-04.

Conditions:
Hereditary cancer-predisposing syndrome. Also called: Neoplastic Syndromes, Hereditary; Tumor predisposition; Hereditary Cancer Syndrome; Hereditary neoplastic syndrome. Identifiers: Orphanet 140162, MedGen C0027672, MeSH D009386, MONDO:0015356.
Familial adenomatous polyposis 1 (FAP1). Also called: FAMILIAL ADENOMATOUS POLYPOSIS 1, ATTENUATED; POLYPOSIS, ADENOMATOUS INTESTINAL. Identifiers: MedGen C2713442, MONDO:0021056, OMIM 175100. Disease mechanism: loss of function.

Submissions (2):

Labcorp Genetics (formerly Invitae), Labcorp
Classification: Uncertain significance for Familial adenomatous polyposis 1. Last evaluated: 2024-09-04. Review status: criteria provided, single submitter. Criteria: Invitae Variant Classification Sherloc (09022015). Collection method: clinical testing. Allele origin: germline.
Comment: This sequence change replaces arginine, which is basic and polar, with glycine, which is neutral and non-polar, at codon 2237 of the APC protein (p.Arg2237Gly). This variant is not present in population databases (gnomAD no frequency). This variant has not been reported in the literature in individuals affected with APC-related conditions. ClinVar contains an entry for this variant (Variation ID: 1755026). Invitae Evidence Modeling of protein sequence and biophysical properties (such as structural, functional, and spatial information, amino acid conservation, physicochemical variation, residue mobility, and thermodynamic stability) indicates that this missense variant is not expected to disrupt APC protein function with a negative predictive value of 95%. In summary, the available evidence is currently insufficient to determine the role of this variant in disease. Therefore, it has been classified as a Variant of Uncertain Significance.

Ambry Genetics
Classification: Uncertain significance for Hereditary cancer-predisposing syndrome. Last evaluated: 2020-07-16. Review status: criteria provided, single submitter. Criteria: Ambry Variant Classification Scheme 2023. Collection method: clinical testing. Allele origin: germline.
Comment: The p.R2237G variant (also known as c.6709C>G), located in coding exon 15 of the APC gene, results from a C to G substitution at nucleotide position 6709. The arginine at codon 2237 is replaced by glycine, an amino acid with dissimilar properties. This amino acid position is highly conserved in available vertebrate species. In addition, in silico predictors for this gene do not accurately predict pathogenicity. Since supporting evidence is limited at this time, the clinical significance of this alteration remains unclear.

NM_000038.6(APC):c.6709C>G (p.Arg2237Gly)

Gene: APC (APC regulator of Wnt signaling pathway; plus strand). Cytogenetic location: 5q22.2.
Variant type: single nucleotide variant.
Coding change: c.6709C>G on transcript NM_000038.6 (MANE Select); coding-DNA position 6709, C replaced by G.
Protein change: p.Arg2237Gly; replaces arginine 2237 with glycine.
Molecular consequence: missense variant.
Genome position (GRCh38, 1-based): chr5:112,842,303, C>G. VCF-style: chr5-112842303-C-G. GRCh37 (hg19) VCF-style: chr5-112178000-C-G.
Other names: c.6709C>G, p.Arg2237Gly (NM_001127510.3, NM_001354895.2, NM_001407450.1); c.6655C>G, p.Arg2219Gly (NM_001127511.3); c.6763C>G, p.Arg2255Gly (NM_001354896.2, NM_001407447.1, NM_001407448.1 and 1 more transcripts); c.6739C>G, p.Arg2247Gly (NM_001354897.2); c.6634C>G, p.Arg2212Gly (NM_001354898.2); c.6625C>G, p.Arg2209Gly (NM_001354899.2); c.6586C>G, p.Arg2196Gly (NM_001354900.2); c.6532C>G, p.Arg2178Gly (NM_001354901.2, NM_001407453.1); and 11 more; short protein forms R1853G, R2111G, R2136G, R2146G, R2196G, R2230G, R2178G, R2237G.
Identifiers: ClinVar variation 1755026 (VCV001755026.4), dbSNP rs768922431, ClinGen allele CA16035994.